The following is an entry in ClinVar:

ClinVar aggregate classification (germline): Uncertain significance. Review status: criteria provided, multiple submitters, no conflicts (2 of 4 stars). 2 submissions from 2 submitters: Uncertain significance (2). Last evaluated 2025-11-04.

Conditions:
Autosomal dominant polycystic kidney disease. Identifiers: Orphanet 730, MedGen C0085413, MONDO:0004691.
Inborn genetic diseases. Identifiers: MedGen C0950123, MeSH D030342.

Allele frequency attached by ClinVar (database versions not stated): gnomAD exomes below 0.00001; ExAC 0.00001; gnomAD 0.00005; TOPMed 0.00006.
gnomAD v4.1: 14 of 1,590,028 alleles (0.00088%); highest among the groups gnomAD compares: African/African-American, 0.013%; no homozygotes.

Submissions (2):

Labcorp Genetics (formerly Invitae), Labcorp
Classification: Uncertain significance for Autosomal dominant polycystic kidney disease. Last evaluated: 2025-11-04. Review status: criteria provided, single submitter. Criteria: Invitae Variant Classification Sherloc (09022015). Collection method: clinical testing. Allele origin: germline.
Comment: This sequence change replaces methionine, which is neutral and non-polar, with threonine, which is neutral and polar, at codon 206 of the PKD2 protein (p.Met206Thr). This variant is present in population databases (rs746062787, gnomAD 0.01%). This variant has not been reported in the literature in individuals affected with PKD2-related conditions. ClinVar contains an entry for this variant (Variation ID: 2083740). Invitae Evidence Modeling of protein sequence and biophysical properties (such as structural, functional, and spatial information, amino acid conservation, physicochemical variation, residue mobility, and thermodynamic stability) indicates that this missense variant is not expected to disrupt PKD2 protein function with a negative predictive value of 80%. In summary, the available evidence is currently insufficient to determine the role of this variant in disease. Therefore, it has been classified as a Variant of Uncertain Significance.

Ambry Genetics
Classification: Uncertain significance for Inborn genetic diseases. Last evaluated: 2024-10-19. Review status: criteria provided, single submitter. Criteria: Ambry Variant Classification Scheme 2023. Collection method: clinical testing. Allele origin: germline.

NM_000297.4(PKD2):c.617T>C (p.Met206Thr)

Gene: PKD2 (polycystin 2, transient receptor potential cation channel; plus strand). Cytogenetic location: 4q22.1.
Variant type: single nucleotide variant.
Coding change: c.617T>C on transcript NM_000297.4 (MANE Select); coding-DNA position 617, T replaced by C.
Protein change: p.Met206Thr; replaces methionine 206 with threonine.
Molecular consequence: missense variant. On other transcripts: non-coding transcript variant (1).
Genome position (GRCh38, 1-based): chr4:88,019,479, T>C. VCF-style: chr4-88019479-T-C. GRCh37 (hg19) VCF-style: chr4-88940631-T-C.
Other names: short protein forms M206T.
Identifiers: ClinVar variation 2083740 (VCV002083740.6), dbSNP rs746062787, ClinGen allele CA3003746.